The following is an entry in ClinVar:

NM_006648.4(WNK2):c.715T>A (p.Phe239Ile)

Gene: WNK2 (WNK lysine deficient protein kinase 2; plus strand). Cytogenetic location: 9q22.31.
Variant type: single nucleotide variant.
Coding change: c.715T>A on transcript NM_006648.4 (MANE Select); coding-DNA position 715, T replaced by A.
Protein change: p.Phe239Ile; replaces phenylalanine 239 with isoleucine.
Molecular consequence: missense variant.
Genome position (GRCh38, 1-based): chr9:93,229,729, T>A. VCF-style: chr9-93229729-T-A. GRCh37 (hg19) VCF-style: chr9-95992011-T-A.
Other names: c.715T>A, p.Phe239Ile (NM_001282394.3); short protein forms F239I.
Identifiers: ClinVar variation 3981993 (VCV003981993.1).

ClinVar aggregate classification (germline): Uncertain significance (1 of 4 stars; one submission).

Submission:

Ambry Genetics
Classification: Uncertain significance. Last evaluated: 2025-05-05. Review status: criteria provided, single submitter. Criteria: Ambry Variant Classification Scheme 2023. Collection method: clinical testing. Allele origin: germline.
Comment: The p.F239I variant (also known as c.715T>A), located in coding exon 2 of the WNK2 gene, results from a T to A substitution at nucleotide position 715. The phenylalanine at codon 239 is replaced by isoleucine, an amino acid with highly similar properties. This amino acid position is conserved. In addition, the in silico prediction for this alteration is inconclusive. Based on the available evidence, the clinical significance of this variant remains unclear.